The following is an entry in ClinVar:

ClinVar aggregate classification (germline): Conflicting classifications of pathogenicity. Review status: criteria provided, conflicting classifications (1 of 4 stars). 7 submissions from 5 submitters: Uncertain significance (4); Likely benign (2). 1 of the submissions does not count toward it. Last evaluated 2024-06-01.

Conditions:
Familial Mediterranean fever (FMF). Also called: POLYSEROSITIS, FAMILIAL PAROXYSMAL; POLYSEROSITIS, RECURRENT; Periodic peritonitis; Benign paroxysmal peritonitis. Identifiers: Orphanet 342, MedGen C0031069, MONDO:0018088, OMIM 249100. Disease mechanism: gain of function.
Familial Mediterranean fever, autosomal dominant. Also called: FMF, AUTOSOMAL DOMINANT; Dominant Familial Mediterranean Fever. Identifiers: Orphanet 342, MedGen C1851347, MONDO:0007601, OMIM 134610.
Acute febrile neutrophilic dermatosis (AFND). Also called: Sweet Syndrome; Gomm Button disease. Identifiers: Orphanet 3243, MedGen C0085077, MONDO:0011959, OMIM 608068.

Allele frequency attached by ClinVar (database versions not stated): TOPMed 0.00013; 1000 Genomes Project 30x 0.00094; gnomAD 0.00011; gnomAD exomes 0.00002; ESP Exome Variant Server 0.00008; ExAC 0.00006; 1000 Genomes Project 0.00080.
gnomAD v4.1: 23 of 1,614,188 alleles (0.0014%); highest among the groups gnomAD compares: African/African-American, 0.025%; no homozygotes.

Submissions (7):

Fulgent Genetics
Classification: Uncertain significance for Familial Mediterranean fever, autosomal dominant; Familial Mediterranean fever; Acute febrile neutrophilic dermatosis. Last evaluated: 2024-06-01. Review status: criteria provided, single submitter. Criteria: ACMG Guidelines, 2015. Collection method: clinical testing. Allele origin: germline.

Genome-Nilou Lab
Classification: Uncertain significance for Familial Mediterranean fever. Last evaluated: 2023-02-08. Review status: criteria provided, single submitter. Criteria: ACMG Guidelines, 2015. Collection method: clinical testing. Allele origin: germline.

Genome-Nilou Lab
Classification: Likely benign for Familial Mediterranean fever, autosomal dominant. Last evaluated: 2023-02-08. Review status: criteria provided, single submitter. Criteria: ACMG Guidelines, 2015. Collection method: clinical testing. Allele origin: germline.

Genome-Nilou Lab
Classification: Likely benign for Acute febrile neutrophilic dermatosis. Last evaluated: 2023-02-08. Review status: criteria provided, single submitter. Criteria: ACMG Guidelines, 2015. Collection method: clinical testing. Allele origin: germline.

Labcorp Genetics (formerly Invitae), Labcorp
Classification: Uncertain significance for Familial Mediterranean fever. Last evaluated: 2022-06-23. Review status: criteria provided, single submitter. Criteria: Invitae Variant Classification Sherloc (09022015). Collection method: clinical testing. Allele origin: germline.
Comment: This sequence change replaces leucine, which is neutral and non-polar, with valine, which is neutral and non-polar, at codon 508 of the MEFV protein (p.Leu508Val). This variant is present in population databases (rs199937453, gnomAD 0.05%). This variant has not been reported in the literature in individuals affected with MEFV-related conditions. ClinVar contains an entry for this variant (Variation ID: 860331). Algorithms developed to predict the effect of missense changes on protein structure and function output the following: SIFT: "Tolerated"; PolyPhen-2: "Possibly Damaging"; Align-GVGD: "Class C0". The valine amino acid residue is found in multiple mammalian species, which suggests that this missense change does not adversely affect protein function. In summary, the available evidence is currently insufficient to determine the role of this variant in disease. Therefore, it has been classified as a Variant of Uncertain Significance.

ARUP Laboratories, Molecular Genetics and Genomics, ARUP Laboratories
Classification: Uncertain significance. Last evaluated: 2019-09-30. Review status: criteria provided, single submitter. Criteria: ARUP Molecular Germline Variant Investigation Process. Collection method: clinical testing. Allele origin: germline.
Comment: The MEFV c.1522C>G; p.Leu508Val variant (rs199937453), to our knowledge, is not reported in the medical literature or gene specific databases. This variant is found in the African population with an allele frequency of 0.048% (12/24970 alleles) in the Genome Aggregation Database. The leucine at codon 508 is highly conserved, and computational analyses (SIFT: tolerated, PolyPhen-2: probably damaging) predict conflicting effects of this variant on protein structure/function. Due to limited information, the clinical significance of the p.Leu508Val variant is uncertain at this time.

Natera, Inc.
Classification: Uncertain significance for Autosomal dominant familial Mediterranean fever. Last evaluated: 2020-06-09. Review status: no assertion criteria provided. Collection method: clinical testing. Allele origin: germline. Not counted in ClinVar's aggregate classification.

NM_000243.3(MEFV):c.1522C>G (p.Leu508Val)

Gene: MEFV (MEFV innate immunity regulator, pyrin; minus strand). Cytogenetic location: 16p13.3.
Variant type: single nucleotide variant.
Coding change: c.1522C>G on transcript NM_000243.3 (MANE Select); coding-DNA position 1522, C replaced by G.
Protein change: p.Leu508Val; replaces leucine 508 with valine.
Molecular consequence: missense variant.
Genome position (GRCh38, 1-based): chr16:3,247,081, G>C on the plus strand (C>G on the coding strand, the complement: MEFV is on the minus strand). VCF-style: chr16-3247081-G-C. GRCh37 (hg19) VCF-style: chr16-3297081-G-C.
Other names: c.889C>G, p.Leu297Val (NM_001198536.2); short protein forms L508V, L297V.
Identifiers: ClinVar variation 860331 (VCV000860331.17), dbSNP rs199937453, ClinGen allele CA7860111.
Genomic context (GRCh38, chr16:3,247,081, plus strand): 5'-GAAGTTCCCATTCTGACTGGCACTCCTTGGCCTCCAGTTCCCCAATCAGCGCATCGAGCA[G>C]GGCGATGTCCTGGGATACGCGGGTGTCATATGCCTTCCTGATCTGCCCAACCATCTGGCC-3'
Protein context (NP_000234.1, residues 498-518): YDTRVSQDIA[Leu508Val]LDALIGELEA